The following is an entry in ClinVar:

ClinVar aggregate classification (germline): Uncertain significance (1 of 4 stars; one submission).

Conditions:
Hereditary cancer-predisposing syndrome. Also called: Neoplastic Syndromes, Hereditary; Tumor predisposition; Hereditary neoplastic syndrome; Hereditary Cancer Syndrome. Identifiers: Orphanet 140162, MedGen C0027672, MeSH D009386, MONDO:0015356.

Submission:

Ambry Genetics
Classification: Uncertain significance for Hereditary cancer-predisposing syndrome. Last evaluated: 2026-07-07. Review status: criteria provided, single submitter. Criteria: Ambry Variant Classification Scheme 2023. Collection method: clinical testing. Allele origin: germline.
Comment: The p.S332P variant (also known as c.994T>C), located in coding exon 5 of the SMARCA4 gene, results from a T to C substitution at nucleotide position 994. The serine at codon 332 is replaced by proline, an amino acid with similar properties. This amino acid position is conserved. In addition, the in silico prediction for this alteration is inconclusive. Based on the available evidence, the clinical significance of this variant remains unclear.

NM_003072.5(SMARCA4):c.994T>C (p.Ser332Pro)

Gene: SMARCA4 (SWI/SNF related BAF chromatin remodeling complex subunit ATPase 4; plus strand). Cytogenetic location: 19p13.2.
Variant type: single nucleotide variant.
Coding change: c.994T>C on transcript NM_003072.5 (MANE Select); coding-DNA position 994, T replaced by C.
Protein change: p.Ser332Pro; replaces serine 332 with proline.
Molecular consequence: missense variant. On other transcripts: non-coding transcript variant (1).
Genome position (GRCh38, 1-based): chr19:10,987,800, T>C. VCF-style: chr19-10987800-T-C. GRCh37 (hg19) VCF-style: chr19-11098476-T-C.
Other names: c.994T>C, p.Ser332Pro (NM_001387283.1, NM_001411150.1, NM_001128844.3 and 6 more transcripts); short protein forms S332P.
Identifiers: ClinVar variation 5029841 (VCV005029841.1).